The following is an entry in ClinVar:

NM_000355.4(TCN2):c.937C>G (p.Arg313Gly)

Gene: TCN2 (transcobalamin 2; plus strand). Cytogenetic location: 22q12.2.
Variant type: single nucleotide variant.
Coding change: c.937C>G on transcript NM_000355.4 (MANE Select); coding-DNA position 937, C replaced by G.
Protein change: p.Arg313Gly; replaces arginine 313 with glycine.
Molecular consequence: missense variant.
Genome position (GRCh38, 1-based): chr22:30,615,784, C>G. VCF-style: chr22-30615784-C-G. GRCh37 (hg19) VCF-style: chr22-31011771-C-G.
Other names: c.856C>G, p.Arg286Gly (NM_001184726.2); short protein forms R313G, R286G.
Identifiers: ClinVar variation 859784 (VCV000859784.9), dbSNP rs747257199, ClinGen allele CA10184886.
Genomic context (GRCh38, chr22:30,615,784, plus strand): 5'-CTGCCCGTTCTGAACCACAAGACCTACATTGATCTGATCTTCCCAGACTGTCTGGCACCA[C>G]GAGGTAGCCCAACTTTTTGTGGAAGCACAGCCCTTTACAATCTGCTGCGCACCCATTGAC-3'
Protein context (NP_000346.2, residues 303-323): DLIFPDCLAP[Arg313Gly]VMLEPAAETI

ClinVar aggregate classification (germline): Uncertain significance (1 of 4 stars; one submission).

Conditions:
Transcobalamin II deficiency (TCN2D). Also called: TC II DEFICIENCY; TCN2 DEFICIENCY; Transcolabamin II deficiency. Identifiers: Orphanet 859, MedGen C0342701, MONDO:0010149, OMIM 275350.

Submission:

Labcorp Genetics (formerly Invitae), Labcorp
Classification: Uncertain significance for Transcobalamin II deficiency. Last evaluated: 2024-10-07. Review status: criteria provided, single submitter. Criteria: Invitae Variant Classification Sherloc (09022015). Collection method: clinical testing. Allele origin: germline.
Comment: This sequence change replaces arginine, which is basic and polar, with glycine, which is neutral and non-polar, at codon 313 of the TCN2 protein (p.Arg313Gly). This variant is present in population databases (rs747257199, gnomAD 0.003%). This variant has not been reported in the literature in individuals affected with TCN2-related conditions. ClinVar contains an entry for this variant (Variation ID: 859784). An algorithm developed to predict the effect of missense changes on protein structure and function (PolyPhen-2) suggests that this variant is likely to be disruptive. Algorithms developed to predict the effect of sequence changes on RNA splicing suggest that this variant may disrupt the consensus splice site. In summary, the available evidence is currently insufficient to determine the role of this variant in disease. Therefore, it has been classified as a Variant of Uncertain Significance.